The following is an entry in ClinVar:

ClinVar aggregate classification (germline): Likely pathogenic (1 of 4 stars; one submission).

Conditions:
Neurodevelopmental-craniofacial syndrome with variable renal and cardiac abnormalities. Identifiers: MedGen C5561984, MONDO:0859190, OMIM 619522.

Submission:

3billion
Classification: Likely pathogenic for Neurodevelopmental-craniofacial syndrome with variable renal and cardiac abnormalities. Last evaluated: 2022-05-22. Review status: criteria provided, single submitter. Criteria: ACMG Guidelines, 2015. Collection method: clinical testing. Allele origin: germline. Affected: yes. Observed: 1 heterozygote.
Comment: The variant is not observed in the gnomAD v2.1.1 dataset. Frameshift: predicted to result in a loss or disruption of normal protein function through nonsense-mediated decay (NMD) or protein truncation. Multiple pathogenic variants are reported downstream of the variant. Therefore, this variant is classified as likely pathogenic according to the recommendation of ACMG/AMP guideline.

NM_197968.4(ZMYM2):c.1008_1009insG (p.Pro337fs)

Gene: ZMYM2 (zinc finger MYM-type containing 2; plus strand). Cytogenetic location: 13q12.11.
Variant type: Insertion.
Coding change: c.1008_1009insG on transcript NM_197968.4 (MANE Select); coding-DNA positions 1008 to 1009, G inserted.
Protein change: p.Pro337fs; shifts the reading frame from proline 337.
Molecular consequence: frameshift variant. On other transcripts: non-coding transcript variant (1).
Genome position: GRCh38 VCF-style: chr13-20003010-A-AG. GRCh37 (hg19) VCF-style: chr13-20577150-A-AG.
Other names: c.1008_1009insG, p.Pro337fs (NM_001190964.4, NM_001190965.4, NM_001353157.2 and 5 more transcripts); c.813_814insG, p.Pro272fs (NM_001353161.3); c.747_748insG, p.Pro250fs (NM_001353163.2); short protein forms P250fs, P272fs, P337fs.
Identifiers: ClinVar variation 1687427 (VCV001687427.1), dbSNP rs2139911402, ClinGen allele CA2573149154.